The following is an entry in ClinVar:

ClinVar aggregate classification (germline): Uncertain significance (0 of 4 stars; one submission).

Conditions:
CUX1-related disorder. Also called: CUX1-related condition.

gnomAD v4.1: 4 of 1,612,860 alleles (0.00025%); highest among the groups gnomAD compares: Admixed American, 0.0017%; no homozygotes.

Submission:

PreventionGenetics, part of Exact Sciences
Classification: Uncertain significance for CUX1-related condition. Last evaluated: 2023-11-22. Review status: no assertion criteria provided. Collection method: clinical testing. Allele origin: germline.
Comment: The CUX1 c.529C>G variant is predicted to result in the amino acid substitution p.Gln177Glu. To our knowledge, this variant has not been reported in the literature. This variant is reported in 0.0029% of alleles in individuals of Latino descent in gnomAD. At this time, the clinical significance of this variant is uncertain due to the absence of conclusive functional and genetic evidence.

NM_181552.4(CUX1):c.496C>G (p.Gln166Glu)

Gene: CUX1 (cut like homeobox 1; plus strand). Cytogenetic location: 7q22.1.
Variant type: single nucleotide variant.
Coding change: c.496C>G on transcript NM_181552.4 (MANE Select); coding-DNA position 496, C replaced by G.
Protein change: p.Gln166Glu; replaces glutamine 166 with glutamic acid.
Molecular consequence: missense variant.
Genome position (GRCh38, 1-based): chr7:102,104,425, C>G. VCF-style: chr7-102104425-C-G. GRCh37 (hg19) VCF-style: chr7-101747705-C-G.
Other names: c.529C>G, p.Gln177Glu (NM_001202543.2, NM_001913.5, NM_181500.4); c.481C>G, p.Gln161Glu (NM_001202544.3); c.391C>G, p.Gln131Glu (NM_001202545.3); c.418C>G, p.Gln140Glu (NM_001202546.3); short protein forms Q131E, Q140E, Q161E, Q166E, Q177E.
Identifiers: ClinVar variation 3029109 (VCV003029109.2), dbSNP rs1554487751, ClinGen allele CA368665103.
Genomic context (GRCh38, chr7:102,104,425, plus strand): 5'-ATCCGAGAATATGAACAGACACTGAAGAACCAAGCCGAAACCATAGCTCTTGAGAAGGAA[C>G]AGAAGTTACAGAATGACTTTGCAGAAAAGGAGAGGTGAGCATGACTTCCAGGCACACACA-3'
Protein context (NP_853530.2, residues 156-176): QAETIALEKE[Gln166Glu]KLQNDFAEKE